The following is an entry in ClinVar:

ClinVar aggregate classification (germline): Benign. Review status: criteria provided, multiple submitters, no conflicts (2 of 4 stars). 2 submissions from 2 submitters: Benign (2). Last evaluated 2026-01-24.

Allele frequency attached by ClinVar (database versions not stated): gnomAD 0.00001 and 0.00029; TOPMed 0.00004; ESP Exome Variant Server 0.00008; gnomAD exomes 0.00037 and 0.00068; ExAC 0.00086; 1000 Genomes Project 30x 0.00156; 1000 Genomes Project 0.00160.
gnomAD v4.1: 596 of 1,614,018 alleles (0.037%); highest among the groups gnomAD compares: South Asian, 0.62%; 11 homozygotes.

Submissions (2):

Labcorp Genetics (formerly Invitae), Labcorp
Classification: Benign. Last evaluated: 2026-01-24. Review status: criteria provided, single submitter. Criteria: Invitae Variant Classification Sherloc (09022015). Collection method: clinical testing. Allele origin: germline.

CeGaT Center for Human Genetics Tuebingen
Classification: Benign. Last evaluated: 2024-04-01. Review status: criteria provided, single submitter. Criteria: CeGaT Center For Human Genetics Tuebingen Variant Classification Criteria Version 2. Collection method: clinical testing. Allele origin: germline. Affected: yes. Observed: 1 variant allele.
Comment: MAGEL2: BP4, BP7, BS1, BS2

NM_019066.5(MAGEL2):c.2418C>T (p.Gly806=)

Gene: MAGEL2 (MAGE family member L2; minus strand). Cytogenetic location: 15q11.2.
Variant type: single nucleotide variant.
Coding change: c.2418C>T on transcript NM_019066.5 (MANE Select); coding-DNA position 2418, C replaced by T.
Protein change: p.Gly806=; no amino-acid change (glycine 806 retained).
Molecular consequence: synonymous variant.
Genome position (GRCh38, 1-based): chr15:23,645,325, G>A on the plus strand (C>T on the coding strand, the complement: MAGEL2 is on the minus strand). VCF-style: chr15-23645325-G-A. GRCh37 (hg19) VCF-style: chr15-23890472-G-A.
Identifiers: ClinVar variation 703597 (VCV000703597.30), dbSNP rs376390731, ClinGen allele CA7429899.